The following is an entry in ClinVar:

ClinVar aggregate classification (germline): Uncertain significance (0 of 4 stars; one submission).

Conditions:
Prostate cancer. Also called: Malignant tumor of prostate. Identifiers: Orphanet 1331, MedGen C0376358, MONDO:0008315, HP:0012125.

Submission:

Science for Life laboratory,  Karolinska Institutet
Classification: Uncertain significance for Malignant tumor of prostate. Review status: no assertion criteria provided. Collection method: not provided. Allele origin: somatic.
Comment: TumorID:SWE-3
ClinVar note: Converted during submission from Unknown to Uncertain significance.

NM_001377265.1(MAPT):c.69G>C (p.Arg23Ser)

Gene: MAPT (microtubule associated protein tau). Cytogenetic location: 17q21.31.
Variant type: single nucleotide variant.
Coding change: c.69G>C on transcript NM_001377265.1 (MANE Select); coding-DNA position 69, G replaced by C.
Protein change: p.Arg23Ser; replaces arginine 23 with serine.
Molecular consequence: missense variant. On other transcripts: non-coding transcript variant (1).
Genome position (GRCh38, 1-based): chr17:45,962,406, G>C. VCF-style: chr17-45962406-G-C. GRCh37 (hg19) VCF-style: chr17-44039772-G-C.
Other names: c.69G>C, p.Arg23Ser (NM_001123066.4, NM_001123067.4, NM_001203251.2 and 8 more transcripts); short protein forms R23S.
Identifiers: ClinVar variation 161704 (VCV000161704.2), dbSNP rs193920967, ClinGen allele CA174629.